The following is an entry in ClinVar:

NM_001244008.2(KIF1A):c.1726G>A (p.Val576Ile)

Gene: KIF1A (kinesin family member 1A; minus strand). Cytogenetic location: 2q37.3.
Variant type: single nucleotide variant.
Coding change: c.1726G>A on transcript NM_001244008.2 (MANE Select); coding-DNA position 1726, G replaced by A.
Protein change: p.Val576Ile; replaces valine 576 with isoleucine.
Molecular consequence: missense variant.
Genome position (GRCh38, 1-based): chr2:240,765,752, C>T on the plus strand (G>A on the coding strand, the complement: KIF1A is on the minus strand). VCF-style: chr2-240765752-C-T. GRCh37 (hg19) VCF-style: chr2-241705169-C-T.
Other names: c.1699G>A (NM_004321.6, NM_004321.5); c.1726G>A, p.Val576Ile (NM_001320705.2, NM_001330289.2, NM_001379638.1); c.1801G>A, p.Val601Ile (NM_001330290.2, NM_001379631.1, NM_001379634.1 and 2 more transcripts); c.1699G>A, p.Val567Ile (NM_001379632.1, NM_001379633.1, NM_001379636.1 and 10 more transcripts); c.1774G>A, p.Val592Ile (NM_001379637.1, NM_001379648.1); short protein forms V567I, V592I, V601I, V576I.
Identifiers: ClinVar variation 1507067 (VCV001507067.8), dbSNP rs747993082, ClinGen allele CA2208292.

ClinVar aggregate classification (germline): Uncertain significance. Review status: criteria provided, multiple submitters, no conflicts (2 of 4 stars). 3 submissions from 3 submitters: Uncertain significance (3). Last evaluated 2026-01-12.

Conditions:
Hereditary spastic paraplegia 30. Identifiers: Orphanet 101010, MedGen C5235139, MONDO:0012476.
Neuropathy, hereditary sensory, type 2C. Also called: KIF1A-Related HSAN2 (HSAN2C); Hereditary sensory and autonomic neuropathy type IIC. Identifiers: Orphanet 970, MedGen C3280168, MONDO:0013634, OMIM 614213.
Intellectual disability, autosomal dominant 9 (NESCAVS). Also called: KIF1A-Related Neurodevelopmental Disorder; NESCAV SYNDROME. Identifiers: Orphanet 662367, MedGen C5393830, MONDO:0013656, OMIM 614255.
Inborn genetic diseases. Identifiers: MedGen C0950123, MeSH D030342.

Allele frequency attached by ClinVar (database versions not stated): TOPMed below 0.00001; ExAC 0.00001; gnomAD 0.00001.
gnomAD v4.1: 7 of 1,613,574 alleles (0.00043%); highest among the groups gnomAD compares: Non-Finnish European, 0.00059%; no homozygotes.

Submissions (3):

Ambry Genetics
Classification: Uncertain significance for Inborn genetic diseases. Last evaluated: 2026-01-12. Review status: criteria provided, single submitter. Criteria: Ambry Variant Classification Scheme 2023. Collection method: clinical testing. Allele origin: germline.
Comment: The c.1699G>A (p.V567I) alteration is located in exon 19 (coding exon 18) of the KIF1A gene. This alteration results from a G to A substitution at nucleotide position 1699, causing the valine (V) at amino acid position 567 to be replaced by an isoleucine (I). Based on data from gnomAD, the A allele has an overall frequency of 0.003% (1/31386) total alleles studied. The highest observed frequency was 0.007% (1/15414) of European (non-Finnish) alleles. Based on insufficient or conflicting evidence, the clinical significance of this alteration remains unclear.

GeneDx
Classification: Uncertain significance. Last evaluated: 2023-12-05. Review status: criteria provided, single submitter. Criteria: GeneDx Variant Classification Process June 2021. Collection method: clinical testing. Allele origin: germline. Affected: yes.
Comment: Has not been previously published as pathogenic or benign to our knowledge; In silico analysis supports that this missense variant does not alter protein structure/function; This variant is associated with the following publications: (PMID: 21376300, 21820098, 26125038)

Labcorp Genetics (formerly Invitae), Labcorp
Classification: Uncertain significance for Hereditary spastic paraplegia 30; Neuropathy, hereditary sensory, type 2C; Intellectual disability, autosomal dominant 9. Last evaluated: 2021-08-07. Review status: criteria provided, single submitter. Criteria: Invitae Variant Classification Sherloc (09022015). Collection method: clinical testing. Allele origin: germline.
Comment: This sequence change replaces valine with isoleucine at codon 567 of the KIF1A protein (p.Val567Ile). The valine residue is highly conserved and there is a small physicochemical difference between valine and isoleucine. The frequency data for this variant in the population databases is considered unreliable, as metrics indicate poor data quality at this position in the ExAC database. This variant has not been reported in the literature in individuals affected with KIF1A-related conditions. Advanced modeling of protein sequence and biophysical properties (such as structural, functional, and spatial information, amino acid conservation, physicochemical variation, residue mobility, and thermodynamic stability) performed at Invitae indicates that this missense variant is expected to disrupt KIF1A protein function. In summary, the available evidence is currently insufficient to determine the role of this variant in disease. Therefore, it has been classified as a Variant of Uncertain Significance.